The following is an entry in ClinVar:

ClinVar aggregate classification (germline): Uncertain significance (1 of 4 stars; one submission).

Submission:

Dasa
Classification: Uncertain significance. Last evaluated: 2025-03-10. Review status: criteria provided, single submitter. Criteria: DASA Assertion Criteria. Collection method: clinical testing. Allele origin: germline.
Comment: NM_001379403.1(WDR26):c.653A>C (p.Lys218Thr) is a missense variant that results in the substitution of lysine with threonine. This variant is absent from population databases. The currently available literature and clinical evidence are not sufficient to establish a definitive association between this variant and the reported condition. Therefore, this variant is classified as a variant of uncertain significance.

NM_001379403.1(WDR26):c.653A>C (p.Lys218Thr)

Gene: WDR26 (WD repeat domain 26; minus strand). Cytogenetic location: 1q42.12.
Variant type: single nucleotide variant.
Coding change: c.653A>C on transcript NM_001379403.1 (MANE Select); coding-DNA position 653, A replaced by C.
Protein change: p.Lys218Thr; replaces lysine 218 with threonine.
Molecular consequence: missense variant.
Genome position (GRCh38, 1-based): chr1:224,433,753, T>G on the plus strand (A>C on the coding strand, the complement: WDR26 is on the minus strand). VCF-style: chr1-224433753-T-G. GRCh37 (hg19) VCF-style: chr1-224621455-T-G.
Other names: c.353A>C, p.Lys118Thr (NM_001115113.3, NM_025160.7); short protein forms K118T, K218T.
Identifiers: ClinVar variation 4881749 (VCV004881749.2).